The following is an entry in ClinVar:

ClinVar aggregate classification (germline): Uncertain significance. Review status: criteria provided, multiple submitters, no conflicts (2 of 4 stars). 2 submissions from 2 submitters: Uncertain significance (2). Last evaluated 2025-11-19.

Conditions:
Bloom syndrome (BLM). Also called: Bloom-Torre-Machacek syndrome. Identifiers: Orphanet 125, MedGen C0005859, MONDO:0008876, OMIM 210900.
Hereditary cancer-predisposing syndrome. Also called: Tumor predisposition; Hereditary neoplastic syndrome; Hereditary Cancer Syndrome; Neoplastic Syndromes, Hereditary. Identifiers: Orphanet 140162, MedGen C0027672, MeSH D009386, MONDO:0015356.

Allele frequency attached by ClinVar (database versions not stated): gnomAD exomes below 0.00001; TOPMed below 0.00001.
gnomAD v4.1: 2 of 1,585,116 alleles (0.00013%); highest among the groups gnomAD compares: Admixed American, 0.0018%; no homozygotes.

Submissions (2):

Ambry Genetics
Classification: Uncertain significance for Hereditary cancer-predisposing syndrome. Last evaluated: 2025-11-19. Review status: criteria provided, single submitter. Criteria: Ambry Variant Classification Scheme 2023. Collection method: clinical testing. Allele origin: germline.
Comment: The p.D563V variant (also known as c.1688A>T), located in coding exon 6 of the BLM gene, results from an A to T substitution at nucleotide position 1688. The aspartic acid at codon 563 is replaced by valine, an amino acid with highly dissimilar properties. This amino acid position is not well conserved in available vertebrate species. In addition, this alteration is predicted to be tolerated by in silico analysis. Since supporting evidence is limited at this time, the clinical significance of this alteration remains unclear.

Labcorp Genetics (formerly Invitae), Labcorp
Classification: Uncertain significance for Bloom syndrome. Last evaluated: 2025-11-05. Review status: criteria provided, single submitter. Criteria: Invitae Variant Classification Sherloc (09022015). Collection method: clinical testing. Allele origin: germline.
Comment: This sequence change replaces aspartic acid, which is acidic and polar, with valine, which is neutral and non-polar, at codon 563 of the BLM protein (p.Asp563Val). This variant is present in population databases (no rsID available, gnomAD 0.004%). This variant has not been reported in the literature in individuals affected with BLM-related conditions. ClinVar contains an entry for this variant (Variation ID: 578042). Invitae Evidence Modeling of protein sequence and biophysical properties (such as structural, functional, and spatial information, amino acid conservation, physicochemical variation, residue mobility, and thermodynamic stability) indicates that this missense variant is not expected to disrupt BLM protein function with a negative predictive value of 80%. In summary, the available evidence is currently insufficient to determine the role of this variant in disease. Therefore, it has been classified as a Variant of Uncertain Significance.

NM_000057.4(BLM):c.1688A>T (p.Asp563Val)

Gene: BLM (BLM RecQ like helicase; plus strand). Cytogenetic location: 15q26.1.
Variant type: single nucleotide variant.
Coding change: c.1688A>T on transcript NM_000057.4 (MANE Select); coding-DNA position 1688, A replaced by T.
Protein change: p.Asp563Val; replaces aspartic acid 563 with valine.
Molecular consequence: missense variant.
Genome position (GRCh38, 1-based): chr15:90,761,061, A>T. VCF-style: chr15-90761061-A-T. GRCh37 (hg19) VCF-style: chr15-91304291-A-T.
Other names: c.1688A>T, p.Asp563Val (NM_001287246.2, NM_001287247.2); c.563A>T, p.Asp188Val (NM_001287248.2); c.1688A>T (NM_000057.2); short protein forms D563V, D188V.
Identifiers: ClinVar variation 578042 (VCV000578042.8), dbSNP rs1288457938, ClinGen allele CA393843622.